The following is an entry in ClinVar:

NM_020223.4(FAM20C):c.252C>A (p.Asn84Lys)

Gene: FAM20C (FAM20C golgi associated secretory pathway kinase; plus strand). Cytogenetic location: 7p22.3.
Variant type: single nucleotide variant.
Coding change: c.252C>A on transcript NM_020223.4 (MANE Select); coding-DNA position 252, C replaced by A.
Protein change: p.Asn84Lys; replaces asparagine 84 with lysine.
Molecular consequence: missense variant.
Genome position (GRCh38, 1-based): chr7:193,451, C>A. VCF-style: chr7-193451-C-A. GRCh37 (hg19) VCF-style: chr7-193451-C-A.
Other names: c.252C>A (NM_020223.3, NM_020223.2); short protein forms N84K.
Identifiers: ClinVar variation 235432 (VCV000235432.13), dbSNP rs190382829, ClinGen allele CA4108893.

ClinVar aggregate classification (germline): Conflicting classifications of pathogenicity. Review status: criteria provided, conflicting classifications (1 of 4 stars). 6 submissions from 6 submitters: Uncertain significance (4); Likely benign (1). 1 of the submissions does not count toward it. Last evaluated 2024-10-09.

Conditions:
FAM20C-related disorder. Also called: FAM20C-related condition.
Inborn genetic diseases. Identifiers: MedGen C0950123, MeSH D030342.

Allele frequency attached by ClinVar (database versions not stated): gnomAD exomes 0.00008; ExAC 0.00024; 1000 Genomes Project 30x 0.00141; gnomAD 0.00178 and 0.00192; 1000 Genomes Project 0.00180; TOPMed 0.00194.
gnomAD v4.1: 477 of 1,462,000 alleles (0.033%); highest among the groups gnomAD compares: African/African-American, 0.64%; 3 homozygotes.

Submissions (6):

Ambry Genetics
Classification: Likely benign for Inborn genetic diseases. Last evaluated: 2024-10-09. Review status: criteria provided, single submitter. Criteria: Ambry Variant Classification Scheme 2023. Collection method: clinical testing. Allele origin: germline.

Labcorp Genetics (formerly Invitae), Labcorp
Classification: Uncertain significance. Last evaluated: 2022-10-07. Review status: criteria provided, single submitter. Criteria: Invitae Variant Classification Sherloc (09022015). Collection method: clinical testing. Allele origin: germline.
Comment: This sequence change replaces asparagine, which is neutral and polar, with lysine, which is basic and polar, at codon 84 of the FAM20C protein (p.Asn84Lys). The frequency data for this variant in the population databases is considered unreliable, as metrics indicate poor data quality at this position in the gnomAD database. This variant has not been reported in the literature in individuals affected with FAM20C-related conditions. ClinVar contains an entry for this variant (Variation ID: 235432). Algorithms developed to predict the effect of missense changes on protein structure and function are either unavailable or do not agree on the potential impact of this missense change (SIFT: "Deleterious"; PolyPhen-2: "Benign"; Align-GVGD: "Class C0"). In summary, the available evidence is currently insufficient to determine the role of this variant in disease. Therefore, it has been classified as a Variant of Uncertain Significance.

Eurofins Ntd Llc (ga)
Classification: Uncertain significance. Last evaluated: 2017-04-14. Review status: criteria provided, single submitter. Criteria: EGL Classification Definitions 2015. Collection method: clinical testing. Allele origin: germline. Observed: 1 variant allele, 1 heterozygote.

Center for Pediatric Genomic Medicine, Children's Mercy Hospital and Clinics
Classification: Uncertain significance. Last evaluated: 2015-06-04. Review status: criteria provided, single submitter. Criteria: ACMG Guidelines, 2015. Collection method: clinical testing. Allele origin: germline.
ClinVar note: Converted during submission from Uncertain Significance to Uncertain significance.

Breakthrough Genomics
Classification: Uncertain significance. Review status: criteria provided, single submitter. Criteria: ACMG Guidelines, 2015. Collection method: not provided. Allele origin: germline. Inheritance: Autosomal recessive inheritance. Affected: yes.

PreventionGenetics, part of Exact Sciences
Classification: Likely benign for FAM20C-related condition. Last evaluated: 2019-07-29. Review status: no assertion criteria provided. Collection method: clinical testing. Allele origin: germline. Not counted in ClinVar's aggregate classification.
Comment: This variant is classified as likely benign based on ACMG/AMP sequence variant interpretation guidelines (Richards et al. 2015 PMID: 25741868, with internal and published modifications).